The following is an entry in ClinVar:

NM_080680.3(COL11A2):c.2346C>A (p.Asp782Glu)

Gene: COL11A2 (collagen type XI alpha 2 chain; minus strand). Cytogenetic location: 6p21.32.
Variant type: single nucleotide variant.
Coding change: c.2346C>A on transcript NM_080680.3 (MANE Select); coding-DNA position 2346, C replaced by A.
Protein change: p.Asp782Glu; replaces aspartic acid 782 with glutamic acid.
Molecular consequence: missense variant.
Genome position (GRCh38, 1-based): chr6:33,175,604, G>T on the plus strand (C>A on the coding strand, the complement: COL11A2 is on the minus strand). VCF-style: chr6-33175604-G-T. GRCh37 (hg19) VCF-style: chr6-33143381-G-T.
Other names: c.2025C>A, p.Asp675Glu (NM_080679.3); c.2088C>A, p.Asp696Glu (NM_080681.3); short protein forms D675E, D696E, D782E.
Identifiers: ClinVar variation 1306958 (VCV001306958.7), dbSNP rs769588312, ClinGen allele CA3750948.

ClinVar aggregate classification (germline): Conflicting classifications of pathogenicity. Review status: criteria provided, conflicting classifications (1 of 4 stars). 2 submissions from 2 submitters: Uncertain significance (1); Likely benign (1). Last evaluated 2025-05-19.

Allele frequency attached by ClinVar (database versions not stated): ExAC 0.00001; gnomAD exomes 0.00001.
gnomAD v4.1: 10 of 1,612,922 alleles (0.00062%); highest among the groups gnomAD compares: South Asian, 0.0066%; no homozygotes.

Submissions (2):

Labcorp Genetics (formerly Invitae), Labcorp
Classification: Likely benign. Last evaluated: 2025-05-19. Review status: criteria provided, single submitter. Criteria: Invitae Variant Classification Sherloc (09022015). Collection method: clinical testing. Allele origin: germline.

GeneDx
Classification: Uncertain significance. Last evaluated: 2019-07-08. Review status: criteria provided, single submitter. Criteria: GeneDx Variant Classification Process June 2021. Collection method: clinical testing. Allele origin: germline. Affected: yes.
Comment: Has not been previously published as pathogenic or benign to our knowledge; In silico analysis, which includes protein predictors and evolutionary conservation, supports that this variant does not alter protein structure/function